The following is an entry in ClinVar:

NC_000004.11:g.(?_5630335)_(5635926_?)del

Gene: EVC2 (EvC ciliary complex subunit 2; minus strand). Cytogenetic location: 4p16.2.
Variant type: Deletion.
Identifiers: ClinVar variation 2427348 (VCV002427348.4).

ClinVar aggregate classification (germline): Likely pathogenic (1 of 4 stars; one submission).

Conditions:
Curry-Hall syndrome (WAD). Also called: WEYERS ACRODENTAL DYSOSTOSIS. Identifiers: Orphanet 952, MedGen C0457013, MONDO:0008673, OMIM 193530.
Ellis-van Creveld syndrome (EVC). Also called: MESOECTODERMAL DYSPLASIA; EVC-Related Ellis-van Creveld Syndrome; EVC2-Related Ellis-van Creveld Syndrome; Chondroectodermal dysplasia. Identifiers: Orphanet 289, MedGen C0013903, MONDO:0009162, OMIM 225500.

Submission:

Labcorp Genetics (formerly Invitae), Labcorp
Classification: Likely pathogenic for Curry-Hall syndrome; Ellis-van Creveld syndrome. Last evaluated: 2023-07-21. Review status: criteria provided, single submitter. Criteria: Invitae Variant Classification Sherloc (09022015). Collection method: clinical testing. Allele origin: germline.
Comment: In summary, the currently available evidence indicates that the variant is pathogenic, but additional data are needed to prove that conclusively. Therefore, this variant has been classified as Likely Pathogenic. This variant has not been reported in the literature in individuals affected with EVC2-related conditions. This variant results in the deletion of exon 11 and part of exon 12 (c.1471-2167_1837del) of the EVC2 gene. It is expected to disrupt RNA splicing. Variants that disrupt the donor or acceptor splice site typically lead to a loss of protein function (PMID: 16199547), and loss-of-function variants in EVC2 are known to be pathogenic (PMID: 17024374, 19810119, 19876929).

Literature cited by the submitters: PubMed 16199547; PubMed 17024374; PubMed 19810119; PubMed 19876929.